The following is an entry in ClinVar:

NM_000170.3(GLDC):c.2570G>A (p.Gly857Asp)

Gene: GLDC (glycine decarboxylase; minus strand). Cytogenetic location: 9p24.1.
Variant type: single nucleotide variant.
Coding change: c.2570G>A on transcript NM_000170.3 (MANE Select); coding-DNA position 2570, G replaced by A.
Protein change: p.Gly857Asp; replaces glycine 857 with aspartic acid.
Molecular consequence: missense variant.
Genome position (GRCh38, 1-based): chr9:6,540,146, C>T on the plus strand (G>A on the coding strand, the complement: GLDC is on the minus strand). VCF-style: chr9-6540146-C-T. GRCh37 (hg19) VCF-style: chr9-6540146-C-T.
Other names: short protein forms G857D.
Identifiers: ClinVar variation 642534 (VCV000642534.10), dbSNP rs1455180063, ClinGen allele CA372883804.
Genomic context (GRCh38, chr9:6,540,146, plus strand): 5'-TCAATATTTGCAGACTTTTTGAAGGGTCTCGTGTCCAAAATAAATTCATGACCCACATAA[C>T]CTGTTCAGGAAAGTTGTTTCAGCCCAAGATTAGCATCAGCTTATTGTTTTACCCAAACAA-3'
Protein context (NP_000161.2, residues 847-867): HYRILFRGAR[Gly857Asp]YVGHEFILDT

ClinVar aggregate classification (germline): Uncertain significance. Review status: criteria provided, multiple submitters, no conflicts (2 of 4 stars). 3 submissions from 3 submitters: Uncertain significance (2). 1 of the submissions does not count toward it. Last evaluated 2022-10-14.

Conditions:
Glycine encephalopathy. Also called: Non-ketotic hyperglycinemia; Nonketotic hyperglycinemia. Identifiers: Orphanet 407, MedGen C0751748, MONDO:0011612, HP:0008288.

Allele frequency attached by ClinVar (database versions not stated): gnomAD exomes below 0.00001; gnomAD 0.00001.
gnomAD v4.1: 5 of 1,600,200 alleles (0.00031%); highest among the groups gnomAD compares: Admixed American, 0.0017%; no homozygotes.

Submissions (3):

Labcorp Genetics (formerly Invitae), Labcorp
Classification: Uncertain significance for Glycine encephalopathy. Last evaluated: 2022-10-14. Review status: criteria provided, single submitter. Criteria: Invitae Variant Classification Sherloc (09022015). Collection method: clinical testing. Allele origin: germline.
Comment: This sequence change replaces glycine, which is neutral and non-polar, with aspartic acid, which is acidic and polar, at codon 857 of the GLDC protein (p.Gly857Asp). This variant is present in population databases (no rsID available, gnomAD 0.01%). This variant has not been reported in the literature in individuals affected with GLDC-related conditions. ClinVar contains an entry for this variant (Variation ID: 642534). Algorithms developed to predict the effect of missense changes on protein structure and function are either unavailable or do not agree on the potential impact of this missense change (SIFT: "Deleterious"; PolyPhen-2: "Probably Damaging"; Align-GVGD: "Class C0"). In summary, the available evidence is currently insufficient to determine the role of this variant in disease. Therefore, it has been classified as a Variant of Uncertain Significance.

Illumina Laboratory Services, Illumina
Classification: Uncertain significance for Glycine encephalopathy 1. Last evaluated: 2018-01-12. Review status: criteria provided, single submitter. Criteria: ICSL Variant Classification Criteria 13 December 2019. Collection method: clinical testing. Allele origin: germline.

Natera, Inc.
Classification: Uncertain significance for Non-ketotic hyperglycinemia. Last evaluated: 2020-02-26. Review status: no assertion criteria provided. Collection method: clinical testing. Allele origin: germline. Not counted in ClinVar's aggregate classification.